The following is an entry in ClinVar:

NM_031935.3(HMCN1):c.1144C>T (p.His382Tyr)

Gene: HMCN1 (hemicentin 1; plus strand). Cytogenetic location: 1q31.1.
Variant type: single nucleotide variant.
Coding change: c.1144C>T on transcript NM_031935.3 (MANE Select); coding-DNA position 1144, C replaced by T.
Protein change: p.His382Tyr; replaces histidine 382 with tyrosine.
Molecular consequence: missense variant.
Genome position (GRCh38, 1-based): chr1:185,923,512, C>T. VCF-style: chr1-185923512-C-T. GRCh37 (hg19) VCF-style: chr1-185892644-C-T.
Other names: short protein forms H382Y.
Identifiers: ClinVar variation 1478713 (VCV001478713.6), dbSNP rs753588061, ClinGen allele CA1291044.
Genomic context (GRCh38, chr1:185,923,512, plus strand): 5'-CTTGAACTTTTGAGTATCTCAGGAAGTTCTCTTAAGACTATTCCTGTTAAATATTACCCA[C>T]ATCGAAAACCTTATGGCATATGGAATATTTCTGACTTTGTACCACCAAATGAAGCTTTCT-3'
Protein context (NP_114141.2, residues 372-392): LKTIPVKYYP[His382Tyr]RKPYGIWNIS

ClinVar aggregate classification (germline): Uncertain significance (1 of 4 stars; one submission).

Allele frequency attached by ClinVar (database versions not stated): gnomAD exomes below 0.00001; ExAC 0.00001; TOPMed 0.00001.
gnomAD v4.1: 2 of 1,612,410 alleles (0.00012%); highest among the groups gnomAD compares: Admixed American, 0.0017%; no homozygotes.

Submission:

Labcorp Genetics (formerly Invitae), Labcorp
Classification: Uncertain significance. Last evaluated: 2025-09-01. Review status: criteria provided, single submitter. Criteria: Invitae Variant Classification Sherloc (09022015). Collection method: clinical testing. Allele origin: germline.
Comment: This sequence change replaces histidine, which is basic and polar, with tyrosine, which is neutral and polar, at codon 382 of the HMCN1 protein (p.His382Tyr). This variant is present in population databases (rs753588061, gnomAD 0.003%). This variant has not been reported in the literature in individuals affected with HMCN1-related conditions. ClinVar contains an entry for this variant (Variation ID: 1478713). An algorithm developed to predict the effect of missense changes on protein structure and function (PolyPhen-2) suggests that this variant is likely to be tolerated. In summary, the available evidence is currently insufficient to determine the role of this variant in disease. Therefore, it has been classified as a Variant of Uncertain Significance.